The following is an entry in ClinVar:

ClinVar aggregate classification (germline): Benign. Review status: criteria provided, single submitter (1 of 4 stars). 2 submissions from 2 submitters: Benign (1). 1 of the submissions does not count toward it. Last evaluated 2025-08-27.

Conditions:
KDM5C-related disorder. Also called: KDM5C-related condition.
Spastic paraplegia. Identifiers: MedGen C0037772, HP:0001258.

Allele frequency attached by ClinVar (database versions not stated): gnomAD exomes 0.00001; ExAC 0.00002; gnomAD 0.00008; ESP Exome Variant Server 0.00009; TOPMed 0.00011.
gnomAD v4.1: 27 of 1,211,476 alleles (0.0022%); highest among the groups gnomAD compares: African/African-American, 0.04%; no homozygotes.

Submissions (2):

Labcorp Genetics (formerly Invitae), Labcorp
Classification: Benign for Spastic paraplegia. Last evaluated: 2025-08-27. Review status: criteria provided, single submitter. Criteria: Invitae Variant Classification Sherloc (09022015). Collection method: clinical testing. Allele origin: germline.

PreventionGenetics, part of Exact Sciences
Classification: Likely benign for KDM5C-related condition. Last evaluated: 2019-08-28. Review status: no assertion criteria provided. Collection method: clinical testing. Allele origin: germline. Not counted in ClinVar's aggregate classification.
Comment: This variant is classified as likely benign based on ACMG/AMP sequence variant interpretation guidelines (Richards et al. 2015 PMID: 25741868, with internal and published modifications).

NM_004187.5(KDM5C):c.771G>A (p.Leu257=)

Gene: KDM5C (lysine demethylase 5C; minus strand). Cytogenetic location: Xp11.22.
Variant type: single nucleotide variant.
Coding change: c.771G>A on transcript NM_004187.5 (MANE Select); coding-DNA position 771, G replaced by A.
Protein change: p.Leu257=; no amino-acid change (leucine 257 retained).
Molecular consequence: synonymous variant. On other transcripts: non-coding transcript variant (3).
Genome position (GRCh38, 1-based): chrX:53,216,084, C>T on the plus strand (G>A on the coding strand, the complement: KDM5C is on the minus strand). VCF-style: chrX-53216084-C-T. GRCh37 (hg19) VCF-style: chrX-53245266-C-T.
Other names: c.570G>A, p.Leu190= (NM_001146702.2); c.768G>A, p.Leu256= (NM_001282622.3, NM_001353979.2, NM_001353982.2); c.771G>A, p.Leu257= (NM_001353978.3, NM_001353981.2, NM_001353984.2).
Identifiers: ClinVar variation 3053359 (VCV003053359.3), dbSNP rs370470970, ClinGen allele CA10419636.